The following is an entry in ClinVar:

ClinVar aggregate classification (germline): Conflicting classifications of pathogenicity. Review status: criteria provided, conflicting classifications (1 of 4 stars). 2 submissions from 2 submitters: Uncertain significance (1); Likely benign (1). Last evaluated 2017-09-19.

Submissions (2):

GeneDx
Classification: Likely benign. Last evaluated: 2017-09-19. Review status: criteria provided, single submitter. Criteria: GeneDx Variant Classification (06012015). Collection method: clinical testing. Allele origin: germline. Affected: yes.
Comment: This variant is considered likely benign or benign based on one or more of the following criteria: it is a conservative change, it occurs at a poorly conserved position in the protein, it is predicted to be benign by multiple in silico algorithms, and/or has population frequency not consistent with disease.

Eurofins Ntd Llc (ga)
Classification: Uncertain significance. Last evaluated: 2013-07-15. Review status: criteria provided, single submitter. Criteria: EGL Classification Definitions. Collection method: clinical testing. Allele origin: germline. Observed: 2 variant alleles, 2 heterozygotes.

Literature cited by the submitters: PubMed 23757202 (cited by Eurofins Ntd Llc (ga)).

NM_133433.4(NIPBL):c.5863-31TA[11]

Gene: NIPBL (NIPBL cohesin loading factor; plus strand). Cytogenetic location: 5p13.2.
Variant type: Microsatellite.
Coding change: c.5863-31TA[11] on transcript NM_133433.4 (MANE Select); 11 copies in a row of the 2-base unit TA starting at c.5863-31.
Molecular consequence: intron variant.
Genome position: GRCh38 VCF-style: chr5-37036347-G-GTA. GRCh37 (hg19) VCF-style: chr5-37036449-G-GTA.
Other names: c.5863-12_5863-11dupAT (NM_133433.3); c.5863-31TA[11] (NM_015384.5).
Identifiers: ClinVar variation 96347 (VCV000096347.9), dbSNP rs10554564, ClinGen allele CA224034.
Genomic context (GRCh38, chr5:37,036,347, plus strand): 5'-TTATTATTGCCTAATGAATAATTATACCGGGATTTTTTTTTCTTTTTTGTATATATATAT[G>GTA]TATATATATATATATATATATGTATATATAGTTGTTGAAGTCCGAAGAGGATTCCTCATA-3'